The following is an entry in ClinVar:

ClinVar aggregate classification (germline): Uncertain significance (1 of 4 stars; one submission).

Conditions:
Menkes kinky-hair syndrome (MNK). Also called: Classic Menkes Disease; Copper transport disease; Menkes Disease. Identifiers: Orphanet 565, MedGen C0022716, MONDO:0010651, OMIM 309400.
Cutis laxa, X-linked (OHS). Also called: EDS IX; Occipital horn syndrome. Identifiers: Orphanet 198, MedGen C0268353, MONDO:0010572, OMIM 304150.
X-linked distal spinal muscular atrophy type 3. Also called: ATP7A-Related Distal Motor Neuropathy; SPINAL MUSCULAR ATROPHY, DISTAL, X-LINKED RECESSIVE; NEURONOPATHY, DISTAL HEREDITARY MOTOR, X-LINKED; NEUROPATHY, DISTAL HEREDITARY MOTOR, X-LINKED. Identifiers: Orphanet 139557, MedGen C1845359, MONDO:0010338, OMIM 300489.

Submission:

Labcorp Genetics (formerly Invitae), Labcorp
Classification: Uncertain significance for X-linked distal spinal muscular atrophy type 3; Cutis laxa, X-linked; Menkes kinky-hair syndrome. Last evaluated: 2023-08-11. Review status: criteria provided, single submitter. Criteria: Invitae Variant Classification Sherloc (09022015). Collection method: clinical testing. Allele origin: germline.
Comment: Advanced modeling of protein sequence and biophysical properties (such as structural, functional, and spatial information, amino acid conservation, physicochemical variation, residue mobility, and thermodynamic stability) performed at Invitae indicates that this missense variant is not expected to disrupt ATP7A protein function. This variant has not been reported in the literature in individuals affected with ATP7A-related conditions. This variant is not present in population databases (gnomAD no frequency). This sequence change replaces leucine, which is neutral and non-polar, with valine, which is neutral and non-polar, at codon 549 of the ATP7A protein (p.Leu549Val). In summary, the available evidence is currently insufficient to determine the role of this variant in disease. Therefore, it has been classified as a Variant of Uncertain Significance.

NM_000052.7(ATP7A):c.1645C>G (p.Leu549Val)

Gene: ATP7A (ATPase copper transporting alpha; plus strand). Cytogenetic location: Xq21.1.
Variant type: single nucleotide variant.
Coding change: c.1645C>G on transcript NM_000052.7 (MANE Select); coding-DNA position 1645, C replaced by G.
Protein change: p.Leu549Val; replaces leucine 549 with valine.
Molecular consequence: missense variant.
Genome position (GRCh38, 1-based): chrX:78,003,174, C>G. VCF-style: chrX-78003174-C-G. GRCh37 (hg19) VCF-style: chrX-77258671-C-G.
Other names: c.1645C>G, p.Leu549Val (NM_001282224.2); short protein forms L549V.
Identifiers: ClinVar variation 2950910 (VCV002950910.3), dbSNP rs2522325710, ClinGen allele CA413595388.